The following is an entry in ClinVar:

NM_133379.5(TTN):c.11592A>T (p.Val3864=)

Gene: TTN (titin; minus strand). Cytogenetic location: 2q31.2.
Variant type: single nucleotide variant.
Coding change: c.11592A>T on transcript NM_133379.5; coding-DNA position 11592, A replaced by T.
Protein change: p.Val3864=; no amino-acid change (valine 3864 retained).
Molecular consequence: synonymous variant. On other transcripts: intron variant (6).
Genome position (GRCh38, 1-based): chr2:178,750,808, T>A on the plus strand (A>T on the coding strand, the complement: TTN is on the minus strand). VCF-style: chr2-178750808-T-A. GRCh37 (hg19) VCF-style: chr2-179615535-T-A.
Other names: c.10222+2316A>T (NM_003319.4); c.10798+2316A>T (NM_133437.4); c.10597+2316A>T (NM_133432.3); c.10360+2316A>T (NM_133378.4, NM_001256850.1); c.11311+2316A>T (NM_001267550.2); c.11592A>T (NM_133379.4).
Identifiers: ClinVar variation 379324 (VCV000379324.2), dbSNP rs369610255, ClinGen allele CA2003719.

ClinVar aggregate classification (germline): Benign/Likely benign. Review status: criteria provided, multiple submitters, no conflicts (2 of 4 stars). 2 submissions from 2 submitters: Benign (1); Likely benign (1). Last evaluated 2025-07-03.

Conditions:
TTN-related disorder. Also called: TTN-related disorders; TTN-related condition; TTN-related disease.

Allele frequency attached by ClinVar (database versions not stated): ExAC 0.00006; gnomAD exomes 0.00006; TOPMed 0.00006; gnomAD 0.00009 and 0.00010; ESP Exome Variant Server 0.00015.
gnomAD v4.1: 313 of 1,613,104 alleles (0.019%); highest among the groups gnomAD compares: Non-Finnish European, 0.026%; no homozygotes.

Submissions (2):

PreventionGenetics, part of Exact Sciences
Classification: Likely benign for TTN-related condition. Last evaluated: 2025-07-03. Review status: criteria provided, single submitter. Criteria: ACMG Guidelines, 2015. Collection method: clinical testing. Allele origin: germline.
Comment: This variant is classified as likely benign based on ACMG/AMP sequence variant interpretation guidelines (Richards et al. 2015 PMID: 25741868, with internal and published modifications).

GeneDx
Classification: Benign. Last evaluated: 2015-09-25. Review status: criteria provided, single submitter. Criteria: GeneDx Variant Classification (06012015). Collection method: clinical testing. Allele origin: germline. Affected: yes.
Comment: This variant is considered likely benign or benign based on one or more of the following criteria: it is a conservative change, it occurs at a poorly conserved position in the protein, it is predicted to be benign by multiple in silico algorithms, and/or has population frequency not consistent with disease.